The following is an entry in ClinVar:

NM_000038.6(APC):c.422+1015G>T

Gene: APC (APC regulator of WNT signaling pathway; plus strand). Cytogenetic location: 5q22.2.
Variant type: single nucleotide variant.
Coding change: c.422+1015G>T on transcript NM_000038.6 (MANE Select); 1015 bases into the intron after coding-DNA position 422, G replaced by T.
Molecular consequence: intron variant.
Genome position (GRCh38, 1-based): chr5:112,768,405, G>T. VCF-style: chr5-112768405-G-T. GRCh37 (hg19) VCF-style: chr5-112104102-G-T.
Other names: c.422+1015G>T (NM_001354895.2, NM_001127510.3, NM_001354896.2 and 2 more transcripts); c.452+1015G>T (NM_001354897.2, NM_001354902.2, NM_001127511.3); c.347+1015G>T (NM_001354898.2, NM_001354904.2); c.-614+1015G>T (NM_001354906.2); c.245+1015G>T (NM_001354900.2, NM_001354901.2, NM_001354905.2).
Identifiers: ClinVar variation 82406 (VCV000082406.2), dbSNP rs79520514, ClinGen allele CA008980.

ClinVar aggregate classification (germline): other (0 of 4 stars; one submission).

Conditions:
Familial colorectal cancer. Identifiers: MedGen CN280943, MONDO:0023113. Disease mechanism: loss of function.

Submission:

Systems Biology Platform Zhejiang California International NanoSystems Institute
Classification: other for Familial colorectal cancer. Review status: no assertion criteria provided. Collection method: not provided. Allele origin: unknown.
ClinVar note: Converted during submission from cancer to other.